The following is an entry in ClinVar:

NM_015665.6(AAAS):c.1159C>T (p.Gln387Ter)

Gene: AAAS (aladin WD repeat nucleoporin; minus strand). Cytogenetic location: 12q13.13.
Variant type: single nucleotide variant.
Coding change: c.1159C>T on transcript NM_015665.6 (MANE Select); coding-DNA position 1159, C replaced by T.
Protein change: p.Gln387Ter; replaces glutamine 387 with a stop codon.
Molecular consequence: nonsense.
Genome position (GRCh38, 1-based): chr12:53,308,457, G>A on the plus strand (C>T on the coding strand, the complement: AAAS is on the minus strand). VCF-style: chr12-53308457-G-A. GRCh37 (hg19) VCF-style: chr12-53702241-G-A.
Other names: c.1060C>T, p.Gln354Ter (NM_001173466.2); short protein forms Q387*, Q354*.
Identifiers: ClinVar variation 264990 (VCV000264990.47), dbSNP rs763820204, ClinGen allele CA6598959.

ClinVar aggregate classification (germline): Pathogenic. Review status: criteria provided, multiple submitters, no conflicts (2 of 4 stars). 4 submissions from 4 submitters: Pathogenic (4). Last evaluated 2025-08-22.

Conditions:
AAAS-related disorder. Also called: AAAS-related condition.

Allele frequency attached by ClinVar (database versions not stated): ExAC 0.00001; gnomAD 0.00001; gnomAD exomes 0.00001 and 0.00002; TOPMed 0.00001.

Submissions (4):

GeneDx
Classification: Pathogenic. Last evaluated: 2025-08-22. Review status: criteria provided, single submitter. Criteria: GeneDx Variant Classification Process June 2021. Collection method: clinical testing. Allele origin: germline. Affected: yes.
Comment: Observed in homozygous and compound heterozygous states in patients with Triple-A syndrome in the literature and not observed in homozygous state in controls (PMID: 12752575, 16543750, 22538409); Nonsense variant predicted to result in protein truncation or nonsense mediated decay in a gene for which loss of function is a known mechanism of disease; Not observed at significant frequency in large population cohorts (gnomAD); This variant is associated with the following publications: (PMID: 26243364, 29874194, 25525159, 26246606, 19855093, 22538409, 16543750, 12752575, 31589614, 39387047, 33560460)

Labcorp Genetics (formerly Invitae), Labcorp
Classification: Pathogenic. Last evaluated: 2024-03-03. Review status: criteria provided, single submitter. Criteria: Invitae Variant Classification Sherloc (09022015). Collection method: clinical testing. Allele origin: germline.
Comment: This sequence change creates a premature translational stop signal (p.Gln387*) in the AAAS gene. It is expected to result in an absent or disrupted protein product. Loss-of-function variants in AAAS are known to be pathogenic (PMID: 11159947). This variant is present in population databases (rs763820204, gnomAD 0.002%). This premature translational stop signal has been observed in individual(s) with triple A syndrome (PMID: 12752575, 22538409). ClinVar contains an entry for this variant (Variation ID: 264990). For these reasons, this variant has been classified as Pathogenic.

Blueprint Genetics
Classification: Pathogenic for AAAS-related disorders. Last evaluated: 2023-07-06. Review status: criteria provided, single submitter. Criteria: ACMG Guidelines, 2015. Collection method: clinical testing. Allele origin: germline. Affected: yes. Observed: 2 variant alleles.

CeGaT Center for Human Genetics Tuebingen
Classification: Pathogenic. Last evaluated: 2019-12-01. Review status: criteria provided, single submitter. Criteria: CeGaT Center For Human Genetics Tuebingen Variant Classification Criteria Version 2. Collection method: clinical testing. Allele origin: germline. Affected: yes. Observed: 1 variant allele.

Literature cited by the submitters: PubMed 11159947 (cited by Labcorp Genetics (formerly Invitae), Labcorp); PubMed 12752575 (cited by Labcorp Genetics (formerly Invitae), Labcorp); PubMed 22538409 (cited by Labcorp Genetics (formerly Invitae), Labcorp).